The following is an entry in ClinVar:

NM_015073.3(SIPA1L3):c.820C>G (p.Leu274Val)

Gene: SIPA1L3 (signal induced proliferation associated 1 like 3; plus strand). Cytogenetic location: 19q13.13.
Variant type: single nucleotide variant.
Coding change: c.820C>G on transcript NM_015073.3 (MANE Select); coding-DNA position 820, C replaced by G.
Protein change: p.Leu274Val; replaces leucine 274 with valine.
Molecular consequence: missense variant.
Genome position (GRCh38, 1-based): chr19:38,082,385, C>G. VCF-style: chr19-38082385-C-G. GRCh37 (hg19) VCF-style: chr19-38573025-C-G.
Other names: short protein forms L274V.
Identifiers: ClinVar variation 2598933 (VCV002598933.6), dbSNP rs375276888, ClinGen allele CA9409206.

ClinVar aggregate classification (germline): Uncertain significance. Review status: criteria provided, multiple submitters, no conflicts (2 of 4 stars). 2 submissions from 2 submitters: Uncertain significance (2). Last evaluated 2025-09-25.

Allele frequency attached by ClinVar (database versions not stated): TOPMed 0.00026; gnomAD exomes 0.00004; ExAC 0.00007; ESP Exome Variant Server 0.00020; gnomAD 0.00022.
gnomAD v4.1: 100 of 1,599,026 alleles (0.0063%); highest among the groups gnomAD compares: African/African-American, 0.099%; no homozygotes.

Submissions (2):

Ambry Genetics
Classification: Uncertain significance. Last evaluated: 2025-09-25. Review status: criteria provided, single submitter. Criteria: Ambry Variant Classification Scheme 2023. Collection method: clinical testing. Allele origin: germline.

Labcorp Genetics (formerly Invitae), Labcorp
Classification: Uncertain significance. Last evaluated: 2025-06-12. Review status: criteria provided, single submitter. Criteria: Invitae Variant Classification Sherloc (09022015). Collection method: clinical testing. Allele origin: germline.
Comment: This sequence change replaces leucine, which is neutral and non-polar, with valine, which is neutral and non-polar, at codon 274 of the SIPA1L3 protein (p.Leu274Val). This variant is present in population databases (rs375276888, gnomAD 0.04%). This variant has not been reported in the literature in individuals affected with SIPA1L3-related conditions. ClinVar contains an entry for this variant (Variation ID: 2598933). An algorithm developed to predict the effect of missense changes on protein structure and function outputs the following: PolyPhen-2: "Benign". The valine amino acid residue is found in multiple mammalian species, which suggests that this missense change does not adversely affect protein function. In summary, the available evidence is currently insufficient to determine the role of this variant in disease. Therefore, it has been classified as a Variant of Uncertain Significance.